The following is an entry in ClinVar:

NM_004006.2:c.(-127946_-1)_(31+1_31+83116)dup

Gene: DMD (dystrophin; minus strand).
Variant type: Duplication.
Identifiers: ClinVar variation 3895366 (VCV003895366.1).

ClinVar aggregate classification (germline): Uncertain significance (1 of 4 stars; one submission).

Conditions:
Cardiovascular phenotype. Identifiers: MedGen CN230736.

Submission:

Molecular Diagnostic Laboratory for Inherited Cardiovascular Disease, Montreal Heart Institute
Classification: Uncertain significance for Cardiovascular phenotype. Last evaluated: 2025-04-09. Review status: criteria provided, single submitter. Criteria: ACMG Guidelines, 2015. Collection method: clinical testing. Allele origin: germline. Affected: yes.
Comment: PVS1_mod, PM2